The following is an entry in ClinVar:

ClinVar aggregate classification (germline): Uncertain significance (1 of 4 stars; one submission).

Conditions:
Hereditary cancer-predisposing syndrome. Also called: Hereditary Cancer Syndrome; Hereditary neoplastic syndrome; Tumor predisposition; Neoplastic Syndromes, Hereditary. Identifiers: Orphanet 140162, MedGen C0027672, MeSH D009386, MONDO:0015356.

Submission:

Ambry Genetics
Classification: Uncertain significance for Hereditary cancer-predisposing syndrome. Last evaluated: 2024-08-11. Review status: criteria provided, single submitter. Criteria: Ambry Variant Classification Scheme 2023. Collection method: clinical testing. Allele origin: germline.
Comment: The p.F43V variant (also known as c.127T>G), located in coding exon 3 of the MAX gene, results from a T to G substitution at nucleotide position 127. The phenylalanine at codon 43 is replaced by valine, an amino acid with highly similar properties. This amino acid position is conserved. In addition, this alteration is predicted to be deleterious by in silico analysis. Based on the available evidence, the clinical significance of this variant remains unclear.

NM_002382.5(MAX):c.127T>G (p.Phe43Val)

Genes: MAX-AS1 (MAX antisense RNA 1; plus strand), MAX (MYC associated transcriptional regulator X; minus strand). Cytogenetic location: 14q23.3.
Variant type: single nucleotide variant.
Coding change: c.127T>G on transcript NM_002382.5 (MANE Select); coding-DNA position 127, T replaced by G.
Protein change: p.Phe43Val; replaces phenylalanine 43 with valine.
Molecular consequence: missense variant. On other transcripts: non-coding transcript variant (12), 5 prime UTR variant (6), synonymous variant (1), intron variant (1).
Genome position (GRCh38, 1-based): chr14:65,093,752, A>C on the plus strand (T>G on the coding strand, the complement: MAX is on the minus strand). VCF-style: chr14-65093752-A-C. GRCh37 (hg19) VCF-style: chr14-65560470-A-C.
Other names: c.100T>G, p.Phe34Val (NM_001271068.2, NM_001271069.2, NM_001407095.1 and 9 more transcripts); c.-148T>G (NM_001320415.2, NM_001407105.1, NM_001407106.1 and 1 more transcripts); c.127T>G, p.Phe43Val (NM_001407094.1, NM_001407096.1, NM_001407097.1 and 5 more transcripts); c.-241T>G (NM_001407111.1, NM_001407112.1); c.150T>G, p.Ala50= (NM_001407114.1); c.63+7794T>G (NM_001407098.1); short protein forms F34V, F43V.
Identifiers: ClinVar variation 3543692 (VCV003543692.1).